The following is an entry in ClinVar:

ClinVar aggregate classification (germline): Benign. Review status: criteria provided, multiple submitters, no conflicts (2 of 4 stars). 2 submissions from 2 submitters: Benign (2). Last evaluated 2020-05-25.

Conditions:
Intellectual developmental disorder, X-linked 21. Also called: MENTAL RETARDATION, X-LINKED 34; Mental retardation, X-linked 21/34; Intellectual disability, X-linked 21. Identifiers: Orphanet 777, MedGen C5551510, MONDO:0010256, OMIM 300143.

Allele frequency attached by ClinVar (database versions not stated): gnomAD exomes 0.00078 and 0.00102; ExAC 0.00083; TOPMed 0.00102; ESP Exome Variant Server 0.00085; 1000 Genomes Project 0.00106; gnomAD 0.00072 and 0.00079; 1000 Genomes Project 30x 0.00104.
gnomAD v4.1: 1,132 of 1,133,249 alleles (0.1%); highest among the groups gnomAD compares: Middle Eastern, 0.41%; 1 homozygote.

Submissions (2):

GeneDx
Classification: Benign. Last evaluated: 2020-05-25. Review status: criteria provided, single submitter. Criteria: GeneDx Variant Classification Process June 2021. Collection method: clinical testing. Allele origin: germline. Affected: yes.

Illumina Laboratory Services, Illumina
Classification: Benign for Intellectual developmental disorder, X-linked 21. Last evaluated: 2018-01-13. Review status: criteria provided, single submitter. Criteria: ICSL Variant Classification Criteria 13 December 2019. Collection method: clinical testing. Allele origin: germline.
Comment: This variant was observed in the ICSL laboratory as part of a predisposition screen in an ostensibly healthy population. It had not been previously curated by ICSL or reported in the Human Gene Mutation Database (HGMD: prior to June 1st, 2018), and was therefore a candidate for classification through an automated scoring system. Utilizing variant allele frequency, disease prevalence and penetrance estimates, and inheritance mode, an automated score was calculated to assess if this variant is too frequent to cause the disease. Based on the score and internal cut-off values, a variant classified as benign is not then subjected to further curation. The score for this variant resulted in a classification of benign for this disease.

NM_014271.4(IL1RAPL1):c.-20C>T

Gene: IL1RAPL1 (interleukin 1 receptor accessory protein like 1; plus strand). Cytogenetic location: Xp21.3.
Variant type: single nucleotide variant.
Coding change: c.-20C>T on transcript NM_014271.4 (MANE Select); 20 bases upstream of the start codon, C replaced by T.
Molecular consequence: 5 prime UTR variant.
Genome position (GRCh38, 1-based): chrX:28,789,324, C>T. VCF-style: chrX-28789324-C-T. GRCh37 (hg19) VCF-style: chrX-28807441-C-T.
Identifiers: ClinVar variation 368187 (VCV000368187.6), dbSNP rs200878713, ClinGen allele CA10375347.